The following is an entry in ClinVar:

NM_201384.3(PLEC):c.10196T>C (p.Val3399Ala)

Gene: PLEC (plectin; minus strand). Cytogenetic location: 8q24.3.
Variant type: single nucleotide variant.
Coding change: c.10196T>C on transcript NM_201384.3 (MANE Select); coding-DNA position 10196, T replaced by C.
Protein change: p.Val3399Ala; replaces valine 3399 with alanine.
Molecular consequence: missense variant.
Genome position (GRCh38, 1-based): chr8:143,919,625, A>G on the plus strand (T>C on the coding strand, the complement: PLEC is on the minus strand). VCF-style: chr8-143919625-A-G. GRCh37 (hg19) VCF-style: chr8-144993793-A-G.
Other names: c.10277T>C, p.Val3426Ala (NM_000445.5); c.10154T>C, p.Val3385Ala (NM_201378.4); c.10130T>C, p.Val3377Ala (NM_201379.3); c.10607T>C, p.Val3536Ala (NM_201380.4); c.10100T>C, p.Val3367Ala (NM_201381.3); c.10196T>C, p.Val3399Ala (NM_201382.4); c.10208T>C, p.Val3403Ala (NM_201383.3); c.10277T>C (NM_000445.3); short protein forms V3367A, V3377A, V3385A, V3399A, V3403A, V3426A, V3536A.
Identifiers: ClinVar variation 497095 (VCV000497095.26), dbSNP rs200572137, ClinGen allele CA4924726.
Genomic context (GRCh38, chr8:143,919,625, plus strand): 5'-CCCACCACGCCCGCCTTCACGGCCTCGTGGACATACAGGCGCTGGTTCCGCACGGGGTCC[A>G]CCAGGAAGCCAGTGGCCGCCTGCGCCTCCAGCAGGAGCGCAGCCGTTGTGGCTCTCAGCA-3'
Protein context (NP_958786.1, residues 3389-3409): LEAQAATGFL[Val3399Ala]DPVRNQRLYV

ClinVar aggregate classification (germline): Uncertain significance. Review status: criteria provided, multiple submitters, no conflicts (2 of 4 stars). 5 submissions from 5 submitters: Uncertain significance (5). Last evaluated 2025-12-02.

Conditions:
Inborn genetic diseases. Identifiers: MedGen C0950123, MeSH D030342.
Epidermolysis bullosa simplex 5B, with muscular dystrophy (EBS5B). Also called: EPIDERMOLYSIS BULLOSA SIMPLEX AND LIMB-GIRDLE MUSCULAR DYSTROPHY; Epidermolysis bullosa simplex with muscular dystrophy. Identifiers: Orphanet 257, MedGen C2931072, MONDO:0009181, OMIM 226670.
Autosomal recessive limb-girdle muscular dystrophy type 2Q (LGMDR17). Also called: MUSCULAR DYSTROPHY, LIMB-GIRDLE, AUTOSOMAL RECESSIVE 17. Identifiers: Orphanet 254361, MedGen C3150989, MONDO:0013390, OMIM 613723.
Epidermolysis bullosa simplex, Ogna type (EBS5A). Also called: Pidermolysis bullosa simplex 5A, Ogna type; EPIDERMOLYSIS BULLOSA SIMPLEX 5A, OGNA TYPE. Identifiers: Orphanet 79401, MedGen C0432317, MONDO:0007555, OMIM 131950.
Epidermolysis bullosa simplex with nail dystrophy (EBS5D). Identifiers: MedGen C4225309, MONDO:0014661, OMIM 616487.
Epidermolysis bullosa simplex 5C, with pyloric atresia (EBS5C). Also called: PLEC-Related Epidermolysis Bullosa with Pyloric Atresia; Epidermolysis bullosa simplex with pyloric atresia; PLEC1-Related Epidermolysis Bullosa with Pyloric Atresia. Identifiers: Orphanet 158684, MedGen C2677349, MONDO:0012807, OMIM 612138.

Allele frequency attached by ClinVar (database versions not stated): gnomAD exomes 0.00004 and 0.00010; ExAC 0.00005; gnomAD 0.00007 and 0.00008; TOPMed 0.00007; ESP Exome Variant Server 0.00008.

Submissions (5):

Labcorp Genetics (formerly Invitae), Labcorp
Classification: Uncertain significance for Autosomal recessive limb-girdle muscular dystrophy type 2Q; Epidermolysis bullosa simplex, Ogna type; Epidermolysis bullosa simplex with nail dystrophy; Epidermolysis bullosa simplex 5C, with pyloric atresia; Epidermolysis bullosa simplex 5B, with muscular dystrophy. Last evaluated: 2025-12-02. Review status: criteria provided, single submitter. Criteria: Invitae Variant Classification Sherloc (09022015). Collection method: clinical testing. Allele origin: germline.
Comment: This sequence change replaces valine, which is neutral and non-polar, with alanine, which is neutral and non-polar, at codon 3426 of the PLEC protein (p.Val3426Ala). This variant is present in population databases (rs200572137, gnomAD 0.006%). This missense change has been observed in individual(s) with clinical features of autosomal dominant epidermolysis bullosa simplex with muscular dystrophy (internal data). It has also been observed to segregate with disease in related individuals. ClinVar contains an entry for this variant (Variation ID: 497095). Invitae Evidence Modeling of protein sequence and biophysical properties (such as structural, functional, and spatial information, amino acid conservation, physicochemical variation, residue mobility, and thermodynamic stability) indicates that this missense variant is expected to disrupt PLEC protein function with a positive predictive value of 80%. In summary, the available evidence is currently insufficient to determine the role of this variant in disease. Therefore, it has been classified as a Variant of Uncertain Significance.

Ambry Genetics
Classification: Uncertain significance for Inborn genetic diseases. Last evaluated: 2025-11-24. Review status: criteria provided, single submitter. Criteria: Ambry Variant Classification Scheme 2023. Collection method: clinical testing. Allele origin: germline.

Blueprint Genetics
Classification: Uncertain significance. Last evaluated: 2024-09-23. Review status: criteria provided, single submitter. Criteria: ACMG Guidelines, 2015. Collection method: clinical testing. Allele origin: germline.

Revvity Omics, Revvity
Classification: Uncertain significance. Last evaluated: 2022-07-11. Review status: criteria provided, single submitter. Criteria: ACMG Guidelines, 2015. Collection method: clinical testing. Allele origin: germline.

Eurofins Ntd Llc (ga)
Classification: Uncertain significance. Last evaluated: 2017-03-08. Review status: criteria provided, single submitter. Criteria: EGL Classification Definitions 2015. Collection method: clinical testing. Allele origin: germline. Observed: 2 variant alleles, 2 heterozygotes.